The following is an entry in ClinVar:

ClinVar aggregate classification (germline): Uncertain significance (1 of 4 stars; one submission).

Conditions:
Inborn genetic diseases. Identifiers: MedGen C0950123, MeSH D030342.

gnomAD v4.1: 6 of 1,613,962 alleles (0.00037%); highest among the groups gnomAD compares: East Asian, 0.0045%; no homozygotes.

Submission:

Ambry Genetics
Classification: Uncertain significance for Inborn genetic diseases. Last evaluated: 2024-11-24. Review status: criteria provided, single submitter. Criteria: Ambry Variant Classification Scheme 2023. Collection method: clinical testing. Allele origin: germline.
Comment: The p.A4P variant (also known as c.10G>C), located in coding exon 1 of the CEP57 gene, results from a G to C substitution at nucleotide position 10. The alanine at codon 4 is replaced by proline, an amino acid with highly similar properties. This amino acid position is conserved. In addition, this alteration is predicted to be tolerated by in silico analysis. Based on the available evidence, the clinical significance of this variant remains unclear.

NM_014679.5(CEP57):c.10G>C (p.Ala4Pro)

Genes: CEP57 (centrosomal protein 57; plus strand), LOC130006618 (ATAC-STARR-seq lymphoblastoid active region 5417; plus strand). Cytogenetic location: 11q21.
Variant type: single nucleotide variant.
Coding change: c.10G>C on transcript NM_014679.5 (MANE Select); coding-DNA position 10, G replaced by C.
Protein change: p.Ala4Pro; replaces alanine 4 with proline.
Molecular consequence: missense variant. On other transcripts: 5 prime UTR variant (2).
Genome position (GRCh38, 1-based): chr11:95,790,708, G>C. VCF-style: chr11-95790708-G-C. GRCh37 (hg19) VCF-style: chr11-95523872-G-C.
Other names: c.-62G>C (NM_001243776.2); c.10G>C, p.Ala4Pro (NM_001243777.2); c.-385G>C (NM_001363604.2); short protein forms A4P.
Identifiers: ClinVar variation 3490832 (VCV003490832.1).